The following is an entry in ClinVar:

NM_002481.4(PPP1R12B):c.1458+61A>G

Gene: PPP1R12B (protein phosphatase 1 regulatory subunit 12B; plus strand). Cytogenetic location: 1q32.1.
Variant type: single nucleotide variant.
Coding change: c.1458+61A>G on transcript NM_002481.4 (MANE Select); 61 bases into the intron after coding-DNA position 1458, A replaced by G.
Molecular consequence: intron variant. On other transcripts: missense variant (1), 3 prime UTR variant (1).
Genome position (GRCh38, 1-based): chr1:202,438,085, A>G. VCF-style: chr1-202438085-A-G. GRCh37 (hg19) VCF-style: chr1-202407213-A-G.
Other names: NC_000001.10:g.202407213A>G; c.1519A>G, p.Ile507Val (NM_001167857.2); c.*245A>G (NM_001167858.2); c.1458+61A>G (NM_001331029.2, NM_001410283.1); short protein forms I507V.
Identifiers: ClinVar variation 2639788 (VCV002639788.25), dbSNP rs376793967, ClinGen allele CA1332903.

ClinVar aggregate classification (germline): Likely benign (1 of 4 stars; one submission).

Allele frequency attached by ClinVar (database versions not stated): gnomAD exomes 0.00041; ExAC 0.00131; 1000 Genomes Project 0.00220; 1000 Genomes Project 30x 0.00265; gnomAD 0.00300; ESP Exome Variant Server 0.00329; TOPMed 0.00348.

Submissions (2):

CeGaT Center for Human Genetics Tuebingen
Classification: Likely benign. Last evaluated: 2022-04-01. Review status: criteria provided, single submitter. Criteria: CeGaT Center For Human Genetics Tuebingen Variant Classification Criteria Version 2. Collection method: clinical testing. Allele origin: germline. Affected: yes. Observed: 1 variant allele.
Comment: PPP1R12B: BP4, BS2

Dr. Peter K. Rogan Lab, Western University
No classification provided (evidence only). Condition: Lung cancer. Review status: no classification provided. Collection method: in vitro. Allele origin: not applicable. Functional consequence: retained intron. Not counted in ClinVar's aggregate classification.